The following is an entry in ClinVar:

ClinVar aggregate classification (germline): Uncertain significance. Review status: criteria provided, multiple submitters, no conflicts (2 of 4 stars). 4 submissions from 4 submitters: Uncertain significance (4). Last evaluated 2025-10-02.

Conditions:
RYR1-related disorder. Also called: RYR1-related disorders; RYR1-related condition. Identifiers: MedGen CN239331.
Malignant hyperthermia, susceptibility to, 1 (MHS1). Also called: RYR1-Related Malignant Hyperthermia Susceptibility; Malignant hyperthermia suceptibility 1; Anesthesia related hyperthermia; Malignant hyperpyrexia; Fulminating hyperpyrexia; Pharmacogenic myopathy. Identifiers: Orphanet 423, MedGen C2930980, MONDO:0007783, OMIM 145600.
Central core myopathy (CMYO1A). Also called: Central core disease; Myopathy, central fibrillar; CONGENITAL MYOPATHY 1A, AUTOSOMAL DOMINANT, WITH SUSCEPTIBILITY TO MALIGNANT HYPERTHERMIA. Identifiers: Orphanet 597, MedGen C5830701, MONDO:0007294, OMIM 117000.
Congenital multicore myopathy with external ophthalmoplegia (CMYO1B). Also called: MULTIMINICORE DISEASE WITH EXTERNAL OPHTHALMOPLEGIA; MULTICORE MYOPATHY; Minicore myopathy with external ophthalmoplegia; Congenital myopathy 1B, autosomal recessive; Minicore myopathy. Identifiers: Orphanet 598, Orphanet 98905, MedGen C1850674, MONDO:0009712, OMIM 255320, HP:0003789.

gnomAD v4.1: 17 of 1,614,144 alleles (0.0011%); highest among the groups gnomAD compares: Non-Finnish European, 0.0014%; no homozygotes.

Submissions (4):

GeneDx
Classification: Uncertain significance. Last evaluated: 2025-10-02. Review status: criteria provided, single submitter. Criteria: GeneDx Variant Classification Process June 2021. Collection method: clinical testing. Allele origin: germline.
Comment: Not observed at significant frequency in large population cohorts (gnomAD); In silico analysis supports that this missense variant has a deleterious effect on protein structure/function; Has not been previously published as pathogenic or benign to our knowledge

Labcorp Genetics (formerly Invitae), Labcorp
Classification: Uncertain significance for RYR1-related disorder. Last evaluated: 2025-09-15. Review status: criteria provided, single submitter. Criteria: Invitae Variant Classification Sherloc (09022015). Collection method: clinical testing. Allele origin: germline.
Comment: This sequence change replaces cysteine, which is neutral and slightly polar, with phenylalanine, which is neutral and non-polar, at codon 1517 of the RYR1 protein (p.Cys1517Phe). This variant is not present in population databases (gnomAD no frequency). This variant has not been reported in the literature in individuals affected with RYR1-related conditions. ClinVar contains an entry for this variant (Variation ID: 1446725). Invitae Evidence Modeling of protein sequence and biophysical properties (such as structural, functional, and spatial information, amino acid conservation, physicochemical variation, residue mobility, and thermodynamic stability) indicates that this missense variant is expected to disrupt RYR1 protein function with a positive predictive value of 80%. In summary, the available evidence is currently insufficient to determine the role of this variant in disease. Therefore, it has been classified as a Variant of Uncertain Significance.

Revvity Omics, Revvity
Classification: Uncertain significance. Last evaluated: 2025-08-08. Review status: criteria provided, single submitter. Criteria: ACMG Guidelines, 2015. Collection method: clinical testing. Allele origin: germline.

Color Diagnostics, LLC DBA Color Health
Classification: Uncertain significance for Malignant hyperthermia, susceptibility to, 1. Last evaluated: 2023-12-06. Review status: criteria provided, single submitter. Criteria: ACMG Guidelines, 2015. Collection method: clinical testing. Allele origin: germline.
Comment: This missense variant replaces cysteine with phenylalanine at codon 1517 of the RYR1 protein. Computational prediction suggests that this variant may have deleterious impact on protein structure and function. To our knowledge, functional studies have not been reported for this variant. This variant has not been reported in individuals affected with RYR1-related disorders in the literature. This variant has not been identified in the general population by the Genome Aggregation Database (gnomAD). The available evidence is insufficient to determine the role of this variant in disease conclusively. Therefore, this variant is classified as a Variant of Uncertain Significance.

NM_000540.3(RYR1):c.4550G>T (p.Cys1517Phe)

Gene: RYR1 (ryanodine receptor 1; plus strand). Cytogenetic location: 19q13.2.
Variant type: single nucleotide variant.
Coding change: c.4550G>T on transcript NM_000540.3 (MANE Select); coding-DNA position 4550, G replaced by T.
Protein change: p.Cys1517Phe; replaces cysteine 1517 with phenylalanine.
Molecular consequence: missense variant.
Genome position (GRCh38, 1-based): chr19:38,478,530, G>T. VCF-style: chr19-38478530-G-T. GRCh37 (hg19) VCF-style: chr19-38969170-G-T.
Other names: c.4550G>T (NM_000540.2); c.4550G>T, p.Cys1517Phe (NM_001042723.2); short protein forms C1517F.
Identifiers: ClinVar variation 1446725 (VCV001446725.13), dbSNP rs1321260327, ClinGen allele CA405647604.